The following is an entry in ClinVar:

ClinVar aggregate classification (germline): Pathogenic (1 of 4 stars; one submission).

Conditions:
Congenital disorder of glycosylation, type IIq. Also called: CDG IIq. Identifiers: Orphanet 435934, MedGen C4479353, MONDO:0054559, OMIM 617395.

Submission:

Labcorp Genetics (formerly Invitae), Labcorp
Classification: Pathogenic for Congenital disorder of glycosylation, type IIq. Last evaluated: 2017-06-08. Review status: criteria provided, single submitter. Criteria: Invitae Variant Classification Sherloc (09022015). Collection method: clinical testing. Allele origin: germline.
Comment: This sequence change creates a premature translational stop signal (p.Ile146Asnfs*8) in the COG2 gene. It is expected to result in an absent or disrupted protein product. For these reasons, this variant has been classified as Pathogenic. Loss-of-function variants in COG2 are known to be pathogenic (PMID: 24784932). This variant has not been reported in the literature in individuals with a COG2-related disease. This variant is not present in population databases (ExAC no frequency).

Literature cited by the submitters: PubMed 24784932.

NM_007357.3(COG2):c.436dup (p.Ile146fs)

Gene: COG2 (component of oligomeric golgi complex 2; plus strand). Cytogenetic location: 1q42.2.
Variant type: Duplication.
Coding change: c.436dup on transcript NM_007357.3 (MANE Select); coding-DNA position 436, one base duplicated (A; older notation c.436dupA).
Protein change: p.Ile146fs; shifts the reading frame from isoleucine 146.
Molecular consequence: frameshift variant.
Genome position (GRCh38, 1-based): chr1:230,664,538, A duplicated; the last of 6 consecutive A bases (chr1:230,664,533-230,664,538); duplicating any one gives the same sequence. VCF-style (leftmost placement, unchanged base first): chr1-230664532-G-GA. GRCh37 (hg19) VCF-style: chr1-230800278-G-GA.
Other names: c.436dup, p.Ile146fs (NM_001145036.2); c.436dupA (NM_007357.2); short protein forms I146fs.
Identifiers: ClinVar variation 568944 (VCV000568944.5), dbSNP rs1031719032, ClinGen allele CA38871038.
Genomic context (GRCh38, chr1:230,664,532, plus strand): 5'-TTTTATTTATAGATGTGTGTATTGAGGCTTATACAAGTTATTCGGTCAGTTGAGAAAATT[G>GA]AAAAAATCTTAAACTCTCAAAGTTCTAAAGAAACCTCTGCACTAGAAGCAAGCAGGTAAG-3'